The following is an entry in ClinVar:

NM_019034.3(RHOF):c.372C>A (p.Ile124=)

Genes: RHOF (ras homolog family member F, filopodia associated; minus strand), TMEM120B (transmembrane protein 120B; plus strand). Cytogenetic location: 12q24.31.
Variant type: single nucleotide variant.
Coding change: c.372C>A on transcript NM_019034.3 (MANE Select); coding-DNA position 372, C replaced by A.
Protein change: p.Ile124=; no amino-acid change (isoleucine 124 retained).
Molecular consequence: synonymous variant. On other transcripts: 3 prime UTR variant (1).
Genome position (GRCh38, 1-based): chr12:121,780,971, G>T on the plus strand (C>A on the coding strand, the complement: RHOF is on the minus strand). VCF-style: chr12-121780971-G-T. GRCh37 (hg19) VCF-style: chr12-122218877-G-T.
Other names: c.*5249G>T (NM_001080825.2).
Identifiers: ClinVar variation 2643414 (VCV002643414.24), dbSNP rs1253509813, ClinGen allele CA482181375.

ClinVar aggregate classification (germline): Likely benign (1 of 4 stars; one submission).

Allele frequency attached by ClinVar (database versions not stated): TOPMed 0.00001.
gnomAD v4.1: 2 of 1,614,062 alleles (0.00012%); highest among the groups gnomAD compares: East Asian, 0.0045%; no homozygotes.

Submission:

CeGaT Center for Human Genetics Tuebingen
Classification: Likely benign. Last evaluated: 2023-01-01. Review status: criteria provided, single submitter. Criteria: CeGaT Center For Human Genetics Tuebingen Variant Classification Criteria Version 2. Collection method: clinical testing. Allele origin: germline. Affected: yes. Observed: 1 variant allele.
Comment: RHOF: BP4, BP7